The following is an entry in ClinVar:

ClinVar aggregate classification (germline): Pathogenic. Review status: criteria provided, multiple submitters, no conflicts (2 of 4 stars). 3 submissions from 3 submitters: Pathogenic (2). 1 of the submissions does not count toward it. Last evaluated 2025-03-10.

Conditions:
Tuberous sclerosis syndrome (TSC). Also called: Tuberous Sclerosis Complex; Tuberous sclerosis. Identifiers: Orphanet 805, MedGen C0041341, MONDO:0001734.
Tuberous sclerosis 2 (TSC2). Identifiers: Orphanet 805, MedGen C1860707, MONDO:0013199, OMIM 613254.

Submissions (3):

Dasa
Classification: Pathogenic for Tuberous sclerosis 2. Last evaluated: 2025-03-10. Review status: criteria provided, single submitter. Criteria: DASA Assertion Criteria. Collection method: clinical testing. Allele origin: germline.
Comment: NM_000548.5(TSC2):c.1661C>A (p.Ser554*) introduces a premature stop codon predicted to result in truncated protein or nonsense-mediated decay. Loss-of-function is an established mechanism of disease for this gene, and this variant has been reported in individuals with tuberous sclerosis complex. Based on the available data, this variant is classified as pathogenic.

Labcorp Genetics (formerly Invitae), Labcorp
Classification: Pathogenic for Tuberous sclerosis 2. Last evaluated: 2021-05-30. Review status: criteria provided, single submitter. Criteria: Invitae Variant Classification Sherloc (09022015). Collection method: clinical testing. Allele origin: germline.
Comment: For these reasons, this variant has been classified as Pathogenic. This sequence change creates a premature translational stop signal (p.Ser554*) in the TSC2 gene. It is expected to result in an absent or disrupted protein product. Loss-of-function variants in TSC2 are known to be pathogenic (PMID: 10205261, 17304050). This variant is not present in population databases (ExAC no frequency). This variant has been observed in individual(s) with clinical features of tuberous sclerosis complex (PMID: 10533066). ClinVar contains an entry for this variant (Variation ID: 50145). Algorithms developed to predict the effect of sequence changes on RNA splicing suggest that this variant may create or strengthen a splice site, but this prediction has not been confirmed by published transcriptional studies.

Tuberous sclerosis database (TSC2)
No classification provided. Condition: TSC. Review status: no classification provided. Criteria: Tuberous Sclerosis Database Assertion Criteria 2015. Collection method: curation. Allele origin: germline. Affected: yes. Not counted in ClinVar's aggregate classification.

Literature cited by the submitters: PubMed 10533066 (cited by Dasa and Labcorp Genetics (formerly Invitae), Labcorp); PubMed 10205261 (cited by Labcorp Genetics (formerly Invitae), Labcorp); PubMed 17304050 (cited by Labcorp Genetics (formerly Invitae), Labcorp).

NM_000548.5(TSC2):c.1661C>A (p.Ser554Ter)

Gene: TSC2 (TSC complex subunit 2; plus strand). Cytogenetic location: 16p13.3.
Variant type: single nucleotide variant.
Coding change: c.1661C>A on transcript NM_000548.5 (MANE Select); coding-DNA position 1661, C replaced by A.
Protein change: p.Ser554Ter; replaces serine 554 with a stop codon.
Molecular consequence: nonsense.
Genome position (GRCh38, 1-based): chr16:2,065,580, C>A. VCF-style: chr16-2065580-C-A. GRCh37 (hg19) VCF-style: chr16-2115581-C-A.
Other names: c.1061C>A, p.Ser354Ter (NM_001318831.2); c.1694C>A, p.Ser565Ter (NM_001318832.2); c.1661C>A, p.Ser554Ter (NM_001363528.2, NM_001370404.1, NM_001370405.1 and 3 more transcripts); c.1550C>A, p.Ser517Ter (NM_001318827.2); c.1514C>A, p.Ser505Ter (NM_001318829.2); short protein forms S554*, S354*, S565*, S505*, S517*.
Identifiers: ClinVar variation 50145 (VCV000050145.8), dbSNP rs45471596, ClinGen allele CA015421.